The following is an entry in ClinVar:

ClinVar aggregate classification (germline): Uncertain significance (1 of 4 stars; one submission).

Allele frequency attached by ClinVar (database versions not stated): TOPMed below 0.00001; ExAC 0.00001.
gnomAD v4.1: 7 of 1,614,008 alleles (0.00043%); highest among the groups gnomAD compares: East Asian, 0.013%; no homozygotes.

Submission:

Labcorp Genetics (formerly Invitae), Labcorp
Classification: Uncertain significance. Last evaluated: 2021-10-21. Review status: criteria provided, single submitter. Criteria: Invitae Variant Classification Sherloc (09022015). Collection method: clinical testing. Allele origin: germline.
Comment: This sequence change replaces alanine with valine at codon 490 of the HPS1 protein (p.Ala490Val). The alanine residue is moderately conserved and there is a small physicochemical difference between alanine and valine. This variant is present in population databases (rs773135623, ExAC 0.01%). This variant has not been reported in the literature in individuals affected with HPS1-related conditions. Algorithms developed to predict the effect of missense changes on protein structure and function output the following: SIFT: "Tolerated"; PolyPhen-2: "Benign"; Align-GVGD: "Class C0". The valine amino acid residue is found in multiple mammalian species, which suggests that this missense change does not adversely affect protein function. In summary, the available evidence is currently insufficient to determine the role of this variant in disease. Therefore, it has been classified as a Variant of Uncertain Significance.

NM_000195.5(HPS1):c.1469C>T (p.Ala490Val)

Gene: HPS1 (HPS1 biogenesis of lysosomal organelles complex 3 subunit 1; minus strand). Cytogenetic location: 10q24.2.
Variant type: single nucleotide variant.
Coding change: c.1469C>T on transcript NM_000195.5 (MANE Select); coding-DNA position 1469, C replaced by T.
Protein change: p.Ala490Val; replaces alanine 490 with valine.
Molecular consequence: missense variant.
Genome position (GRCh38, 1-based): chr10:98,423,816, G>A on the plus strand (C>T on the coding strand, the complement: HPS1 is on the minus strand). VCF-style: chr10-98423816-G-A. GRCh37 (hg19) VCF-style: chr10-100183573-G-A.
Other names: c.497C>T, p.Ala166Val (NM_001311345.2, NM_001322487.2, NM_001322489.2); c.1469C>T, p.Ala490Val (NM_001322476.2, NM_001322477.2); c.1370C>T, p.Ala457Val (NM_001322478.2, NM_001322479.2); c.1208C>T, p.Ala403Val (NM_001322480.2, NM_001322481.2); c.1109C>T, p.Ala370Val (NM_001322482.2); c.1100C>T, p.Ala367Val (NM_001322483.2, NM_001322484.2); c.1001C>T, p.Ala334Val (NM_001322485.2); short protein forms A166V, A367V, A403V, A334V, A457V, A370V, A490V.
Identifiers: ClinVar variation 2166643 (VCV002166643.1), dbSNP rs773135623, ClinGen allele CA5639014.